The following is an entry in ClinVar:

NM_000352.6(ABCC8):c.2062T>G (p.Trp688Gly)

Gene: ABCC8 (ATP binding cassette subfamily C member 8; minus strand). Cytogenetic location: 11p15.1.
Variant type: single nucleotide variant.
Coding change: c.2062T>G on transcript NM_000352.6 (MANE Select); coding-DNA position 2062, T replaced by G.
Protein change: p.Trp688Gly; replaces tryptophan 688 with glycine.
Molecular consequence: missense variant. On other transcripts: non-coding transcript variant (1).
Genome position (GRCh38, 1-based): chr11:17,427,921, A>C on the plus strand (T>G on the coding strand, the complement: ABCC8 is on the minus strand). VCF-style: chr11-17427921-A-C. GRCh37 (hg19) VCF-style: chr11-17449468-A-C.
Other names: c.2062T>G, p.Trp688Gly (NM_001287174.3); c.2128T>G, p.Trp710Gly (NM_001351295.2); c.2059T>G, p.Trp687Gly (NM_001351296.2, NM_001351297.2); short protein forms W687G, W688G, W710G.
Identifiers: ClinVar variation 982898 (VCV000982898.2), dbSNP rs1955658642, ClinGen allele CA379814895.

ClinVar aggregate classification (germline): Conflicting classifications of pathogenicity. Review status: criteria provided, conflicting classifications (1 of 4 stars). 3 submissions from 2 submitters: Uncertain significance (2); Likely benign (1). Last evaluated 2019-01-01.

Conditions:
Maturity-onset diabetes of the young (MODY). Also called: Maturity onset diabetes mellitus in young. Identifiers: Orphanet 552, MedGen C0342276, MONDO:0018911, HP:0004904.
Hyperinsulinemic hypoglycemia, familial, 1 (HHF1). Also called: Persistent hyperinsulinemic hypoglycemia of infancy; Persistent Hyperinsulinemia Hypoglycemia of Infancy; HYPERINSULINISM, FAMILIAL, WITH PANCREATIC NESIDIOBLASTOSIS; HYPOGLYCEMIA, HYPERINSULINEMIC, OF INFANCY; NESIDIOBLASTOSIS OF PANCREAS. Identifiers: Orphanet 276575, Orphanet 276598, MedGen C2931832, MONDO:0009734, OMIM 256450.
Transitory neonatal diabetes mellitus. Also called: Transient neonatal diabetes mellitus. Identifiers: MedGen C0342273, MONDO:0020525, HP:0008255.

Submissions (3):

Institute of Human Genetics, University of Leipzig Medical Center
Classification: Likely benign for Hyperinsulinemic hypoglycemia, familial, 1. Last evaluated: 2019-01-01. Review status: criteria provided, single submitter. Criteria: ACMG Guidelines, 2015. Collection method: clinical testing. Allele origin: unknown. Affected: no.
Comment: This variant was identified as compound heterozygous.

Clinical Genomics, Uppaluri K&H Personalized Medicine Clinic
Classification: Uncertain significance for Maturity-onset diabetes of the young. Review status: criteria provided, single submitter. Criteria: K & H Uppaluri Personalized Medicine Clinic Variant Classification & Assertion Criteria_Updated V.1. Collection method: research. Allele origin: unknown. Inheritance: Somatic mutation.
Comment: Mutations in ABCC8 gene are associated with both neonatal diabetes mellitus as well as MODY. Patients with this mutation may have a better response to sulfonylureas. However, no sufficient evidence is found to ascertain the role of this particular variant (rs1955658642) in MODY yet.

Clinical Genomics, Uppaluri K&H Personalized Medicine Clinic
Classification: Uncertain significance for Transitory neonatal diabetes mellitus. Review status: criteria provided, single submitter. Criteria: K & H Uppaluri Personalized Medicine Clinic Variant Classification & Assertion Criteria_Updated V.1. Collection method: research. Allele origin: unknown. Inheritance: Somatic mutation.
Comment: Mutations in ABCC8 gene are associated with both neonatal diabetes mellitus as well as MODY. Patients with this mutation may have a better response to sulfonylureas. However, no sufficient evidence is found to ascertain the role of this particular variant (rs1955658642) in neonatal diabetes yet.

Literature cited by the submitters: PubMed 16885549 (cited by Clinical Genomics, Uppaluri K&H Personalized Medicine Clinic); PubMed 21989597 (cited by Clinical Genomics, Uppaluri K&H Personalized Medicine Clinic); PubMed 27538677 (cited by Clinical Genomics, Uppaluri K&H Personalized Medicine Clinic); PubMed 18981553 (cited by Clinical Genomics, Uppaluri K&H Personalized Medicine Clinic); PubMed 32027066 (cited by Clinical Genomics, Uppaluri K&H Personalized Medicine Clinic); PubMed 16613899 (cited by Clinical Genomics, Uppaluri K&H Personalized Medicine Clinic); PubMed 18025408 (cited by Clinical Genomics, Uppaluri K&H Personalized Medicine Clinic); PubMed 32792356 (cited by Clinical Genomics, Uppaluri K&H Personalized Medicine Clinic).